The following is an entry in ClinVar:

NM_004686.5(MTMR7):c.-10T>G

Gene: MTMR7 (myotubularin related protein 7; minus strand). Cytogenetic location: 8p22.
Variant type: single nucleotide variant.
Coding change: c.-10T>G on transcript NM_004686.5 (MANE Select); 10 bases upstream of the start codon, T replaced by G.
Molecular consequence: 5 prime UTR variant.
Genome position (GRCh38, 1-based): chr8:17,413,302, A>C on the plus strand (T>G on the coding strand, the complement: MTMR7 is on the minus strand). VCF-style: chr8-17413302-A-C. GRCh37 (hg19) VCF-style: chr8-17270811-A-C.
Identifiers: ClinVar variation 3034001 (VCV003034001.2), dbSNP rs541247538, ClinGen allele CA4644468.
Genomic context (GRCh38, chr8:17,413,302, plus strand): 5'-TCCTCCGCCCGCGCTGGTGTCACCAACCTTGGGCGTACGGATGTGCTCCATGGCTGGCCC[A>C]CGTCTGCAGGGTCCCGGGCGGGCGCGGCCTCACGCACCTGCGCGCCTCTGCGGCGCGATG-3'

ClinVar aggregate classification (germline): Benign (0 of 4 stars; one submission).

Conditions:
MTMR7-related disorder. Also called: MTMR7-related condition.

Allele frequency attached by ClinVar (database versions not stated): 1000 Genomes Project 30x 0.00016; ExAC 0.00016; 1000 Genomes Project 0.00060.
gnomAD v4.1: 1,512 of 1,541,860 alleles (0.098%); highest among the groups gnomAD compares: Non-Finnish European, 0.084%; 3 homozygotes.

Submission:

PreventionGenetics, part of Exact Sciences
Classification: Benign for MTMR7-related condition. Last evaluated: 2019-06-13. Review status: no assertion criteria provided. Collection method: clinical testing. Allele origin: germline.
Comment: This variant is classified as benign based on ACMG/AMP sequence variant interpretation guidelines (Richards et al. 2015 PMID: 25741868, with internal and published modifications).